The following is an entry in ClinVar:

ClinVar aggregate classification (germline): Benign/Likely benign. Review status: criteria provided, multiple submitters, no conflicts (2 of 4 stars). 11 submissions from 11 submitters: Benign (4); Likely benign (6). 1 of the submissions does not count toward it. Last evaluated 2026-05-01.

Conditions:
RYR2-related disorder. Also called: RYR2-related condition.
Cardiovascular phenotype. Identifiers: MedGen CN230736.
Catecholaminergic polymorphic ventricular tachycardia (CVPT). Also called: Catecholamine-induced polymorphic ventricular tachycardia. Identifiers: Orphanet 3286, MedGen C5574922, MONDO:0017990.
Cardiomyopathy (CMYO). Also called: Cardiomyopathies. Identifiers: Orphanet 167848, MedGen C0878544, MONDO:0004994, HP:0001638. Inheritance: Various modes of inheritance.
Catecholaminergic polymorphic ventricular tachycardia 1. Also called: RYR2-Related Catecholaminergic Polymorphic Ventricular Tachycardia; VENTRICULAR TACHYCARDIA, CATECHOLAMINERGIC POLYMORPHIC, 1, WITH OR WITHOUT ATRIAL DYSFUNCTION AND/OR DILATED CARDIOMYOPATHY; VENTRICULAR TACHYCARDIA, STRESS-INDUCED POLYMORPHIC 1. Identifiers: Orphanet 3286, MedGen C1631597, MONDO:0011484, OMIM 604772.

Allele frequency attached by ClinVar (database versions not stated): gnomAD 0.00042 and 0.00046; ESP Exome Variant Server 0.00050; TOPMed 0.00051; 1000 Genomes Project 0.00060; 1000 Genomes Project 30x 0.00062.
gnomAD v4.1: 182 of 1,613,170 alleles (0.011%); highest among the groups gnomAD compares: African/African-American, 0.097%; 1 homozygote.

Submissions (11):

CeGaT Center for Human Genetics Tuebingen
Classification: Likely benign. Last evaluated: 2026-05-01. Review status: criteria provided, single submitter. Criteria: CeGaT Center For Human Genetics Tuebingen Variant Classification Criteria Version 2. Collection method: clinical testing. Allele origin: germline. Affected: yes. Observed: 2 variant alleles.
Comment: RYR2: BP4, BP7

Women's Health and Genetics/Laboratory Corporation of America, LabCorp
Classification: Benign. Last evaluated: 2026-04-27. Review status: criteria provided, single submitter. Criteria: LabCorp Variant Classification Summary - May 2015. Collection method: clinical testing. Allele origin: germline.

Molecular Diagnostic Laboratory for Inherited Cardiovascular Disease, Montreal Heart Institute
Classification: Likely benign. Last evaluated: 2026-03-27. Review status: criteria provided, single submitter. Criteria: ACMG Guidelines, 2015. Collection method: clinical testing. Allele origin: germline. Affected: no.

Labcorp Genetics (formerly Invitae), Labcorp
Classification: Benign for Catecholaminergic polymorphic ventricular tachycardia 1. Last evaluated: 2026-01-27. Review status: criteria provided, single submitter. Criteria: Invitae Variant Classification Sherloc (09022015). Collection method: clinical testing. Allele origin: germline.

Blueprint Genetics
Classification: Likely benign. Last evaluated: 2024-10-08. Review status: criteria provided, single submitter. Criteria: ACMG Guidelines, 2015. Collection method: clinical testing. Allele origin: germline.

All of Us Research Program, National Institutes of Health
Classification: Benign for Catecholaminergic polymorphic ventricular tachycardia. Last evaluated: 2024-01-22. Review status: criteria provided, single submitter. Criteria: ACMG Guidelines, 2015. Collection method: clinical testing. Allele origin: germline. Inheritance: Autosomal dominant inheritance. Observed: 50 variant alleles, 50 heterozygotes.
Comment: This study involves interpretation of variants in research participants for the purpose of population health screening. Participant phenotype was not available at the time of variant classification. Additional details can be found in publication PMID: 35346344, PMCID: PMC8962531

Color Diagnostics, LLC DBA Color Health
Classification: Benign for Cardiomyopathy. Last evaluated: 2018-10-21. Review status: criteria provided, single submitter. Criteria: ACMG Guidelines, 2015. Collection method: clinical testing. Allele origin: germline.

GeneDx
Classification: Likely benign. Last evaluated: 2017-10-18. Review status: criteria provided, single submitter. Criteria: GeneDx Variant Classification (06012015). Collection method: clinical testing. Allele origin: germline. Affected: yes.
Comment: This variant is considered likely benign or benign based on one or more of the following criteria: it is a conservative change, it occurs at a poorly conserved position in the protein, it is predicted to be benign by multiple in silico algorithms, and/or has population frequency not consistent with disease.

Laboratory for Molecular Medicine, Mass General Brigham Personalized Medicine
Classification: Likely benign. Last evaluated: 2017-04-20. Review status: criteria provided, single submitter. Criteria: LMM Criteria. Collection method: clinical testing. Allele origin: germline. Observed: 1 variant allele.
Comment: p.Ala2411Ala in Exon 48 of RYR2: This variant is not expected to have clinical s ignificance because it does not alter an amino acid residue and is not located w ithin the splice consensus sequence. It has been identified in 0.1% (21/23994) o f African chromosomes by the Genome Aggregation Database (gnomAD.; dbSNP rs367994477)

Ambry Genetics
Classification: Likely benign for Cardiovascular phenotype. Last evaluated: 2015-07-17. Review status: criteria provided, single submitter. Criteria: Ambry Variant Classification Scheme 2023. Collection method: clinical testing. Allele origin: germline.

PreventionGenetics, part of Exact Sciences
Classification: Likely benign for RYR2-related condition. Last evaluated: 2019-08-09. Review status: no assertion criteria provided. Collection method: clinical testing. Allele origin: germline. Not counted in ClinVar's aggregate classification.
Comment: This variant is classified as likely benign based on ACMG/AMP sequence variant interpretation guidelines (Richards et al. 2015 PMID: 25741868, with internal and published modifications).

NM_001035.3(RYR2):c.7233C>T (p.Ala2411=)

Gene: RYR2 (ryanodine receptor 2; plus strand). Cytogenetic location: 1q43.
Variant type: single nucleotide variant.
Coding change: c.7233C>T on transcript NM_001035.3 (MANE Select); coding-DNA position 7233, C replaced by T.
Protein change: p.Ala2411=; no amino-acid change (alanine 2411 retained).
Molecular consequence: synonymous variant.
Genome position (GRCh38, 1-based): chr1:237,643,338, C>T. VCF-style: chr1-237643338-C-T. GRCh37 (hg19) VCF-style: chr1-237806638-C-T.
Identifiers: ClinVar variation 264184 (VCV000264184.50), dbSNP rs367994477, ClinGen allele CA087341.